The following is an entry in ClinVar:

ClinVar aggregate classification (germline): Pathogenic (1 of 4 stars; one submission).

Conditions:
Hereditary factor IX deficiency disease (HEMB). Also called: F9 DEFICIENCY; FACTOR IX DEFICIENCY; PLASMA THROMBOPLASTIN COMPONENT DEFICIENCY; Hemophilia B; Christmas Disease. Identifiers: Orphanet 98879, MedGen C0008533, MeSH D002836, MONDO:0010604, OMIM 306900.

Submission:

Women's Health and Genetics/Laboratory Corporation of America, LabCorp
Classification: Pathogenic for Hereditary factor IX deficiency disease. Last evaluated: 2025-07-08. Review status: criteria provided, single submitter. Criteria: LabCorp Variant Classification Summary - May 2015. Collection method: clinical testing. Allele origin: germline.
Comment: Variant summary: F9 c.501G>T (p.Gln167His) results in a non-conservative amino acid change in the encoded protein sequence. Algorithms developed to predict the effect of missense changes on protein structure and function are either unavailable or do not agree on the potential impact of this missense change. The variant was absent in 181039 control chromosomes (gnomAD). The variant c.501G>T (aka Q121H) has been observed in at least 4 individuals affected with Factor IX Deficiency (Hemophilia B) (e.g. Giannelli_1994, Wulff_1995, Van de Water_1996), and 3 of these cases were reported to have a milder disease phenotype. These data indicate that the variant is likely to be associated with disease. At least one publication reports experimental evidence evaluating an impact on protein function, and demonstrated that the variant causes a combined effect, i.e. it affects mRNA splicing, causing a partial (in-frame) skipping of exon 5 with low amounts of normally spliced transcript, and the presence of the missense variant in the normal transcript resulted in decreased secretion, with greatly reduced amounts of the functional protein, while the variant protein once secreted maintained a normal coagulant activity (Tajnik_2016). The following publications have been ascertained in the context of this evaluation (PMID: 7937052, 8680410, 27213901, 27227676, 22639855, 38324470). No submitters have cited clinical-significance assessments for this variant to ClinVar. Based on the evidence outlined above, the variant was classified as pathogenic.

Literature cited by the submitters: PubMed 22639855; PubMed 7937052; PubMed 8680410; PubMed 27227676; PubMed 38324470; PubMed 27213901.

NM_000133.4(F9):c.501G>T (p.Gln167His)

Gene: F9 (coagulation factor IX; plus strand). Cytogenetic location: Xq27.1.
Variant type: single nucleotide variant.
Coding change: c.501G>T on transcript NM_000133.4 (MANE Select); coding-DNA position 501, G replaced by T.
Protein change: p.Gln167His; replaces glutamine 167 with histidine.
Molecular consequence: missense variant.
Genome position (GRCh38, 1-based): chrX:139,548,472, G>T. VCF-style: chrX-139548472-G-T. GRCh37 (hg19) VCF-style: chrX-138630631-G-T.
Other names: c.387G>T, p.Gln129His (NM_001313913.2); short protein forms Q167H, Q129H.
Identifiers: ClinVar variation 4526076 (VCV004526076.1).